The following is an entry in ClinVar:

ClinVar aggregate classification (germline): Uncertain significance (1 of 4 stars; one submission).

gnomAD v4.1: 2 of 1,614,022 alleles (0.00012%); highest among the groups gnomAD compares: African/African-American, 0.0013%; no homozygotes.

Submission:

Ambry Genetics
Classification: Uncertain significance. Last evaluated: 2026-08-24. Review status: criteria provided, single submitter. Criteria: Ambry Variant Classification Scheme 2023. Collection method: clinical testing. Allele origin: germline.
Comment: The p.Q273R variant (also known as c.818A>G), located in coding exon 6 of the RINT1 gene, results from an A to G substitution at nucleotide position 818. The glutamine at codon 273 is replaced by arginine, an amino acid with highly similar properties. This amino acid position is conserved. In addition, the in silico prediction for this alteration is inconclusive. Based on the available evidence, the clinical significance of this variant remains unclear.

NM_021930.6(RINT1):c.818A>G (p.Gln273Arg)

Gene: RINT1 (RAD50 interactor 1; plus strand). Cytogenetic location: 7q22.3.
Variant type: single nucleotide variant.
Coding change: c.818A>G on transcript NM_021930.6 (MANE Select); coding-DNA position 818, A replaced by G.
Protein change: p.Gln273Arg; replaces glutamine 273 with arginine.
Molecular consequence: missense variant. On other transcripts: 5 prime UTR variant (2), non-coding transcript variant (1), intron variant (1).
Genome position (GRCh38, 1-based): chr7:105,547,312, A>G. VCF-style: chr7-105547312-A-G. GRCh37 (hg19) VCF-style: chr7-105187759-A-G.
Other names: c.584A>G, p.Gln195Arg (NM_001346599.2); c.-202A>G (NM_001346600.2); c.-105A>G (NM_001346601.2); c.-27-2743A>G (NM_001346603.2); short protein forms Q195R, Q273R.
Identifiers: ClinVar variation 5028248 (VCV005028248.1).